The following is an entry in ClinVar:

ClinVar aggregate classification (germline): Uncertain significance. Review status: criteria provided, multiple submitters, no conflicts (2 of 4 stars). 5 submissions from 5 submitters: Uncertain significance (5). Last evaluated 2025-10-18.

Conditions:
Charcot-Marie-Tooth disease type 4. Also called: Charcot-Marie-Tooth, Type 4; Charcot-Marie-Tooth disease, type IV. Identifiers: Orphanet 64749, MedGen C4082197, MONDO:0018995.
Inborn genetic diseases. Identifiers: MedGen C0950123, MeSH D030342.
Charcot-Marie-Tooth disease type 4C (CMT4C). Also called: CMT 4C; CHARCOT-MARIE-TOOTH DISEASE, DEMYELINATING, TYPE 4C; Charcot-Marie-Tooth Neuropathy Type 4C (CMT4C); CHARCOT-MARIE-TOOTH DISEASE, DEMYELINATING, AUTOSOMAL RECESSIVE, TYPE 4C; SH3TC2-Related Hereditary Motor and Sensory Neuropathy. Identifiers: Orphanet 99949, MedGen C1866636, MONDO:0011113, OMIM 601596.

Allele frequency attached by ClinVar (database versions not stated): gnomAD 0.00001; gnomAD exomes 0.00001; ExAC 0.00002; TOPMed 0.00002.
gnomAD v4.1: 15 of 1,614,098 alleles (0.00093%); highest among the groups gnomAD compares: Admixed American, 0.0017%; no homozygotes.

Submissions (5):

Ambry Genetics
Classification: Uncertain significance for Inborn genetic diseases. Last evaluated: 2025-10-18. Review status: criteria provided, single submitter. Criteria: Ambry Variant Classification Scheme 2023. Collection method: clinical testing. Allele origin: germline.

Labcorp Genetics (formerly Invitae), Labcorp
Classification: Uncertain significance for Charcot-Marie-Tooth disease type 4. Last evaluated: 2024-11-06. Review status: criteria provided, single submitter. Criteria: Invitae Variant Classification Sherloc (09022015). Collection method: clinical testing. Allele origin: germline.
Comment: This sequence change replaces tyrosine, which is neutral and polar, with aspartic acid, which is acidic and polar, at codon 1176 of the SH3TC2 protein (p.Tyr1176Asp). This variant is present in population databases (rs777028943, gnomAD 0.003%). This missense change has been observed in individual(s) with clinical features of Charcot-Marie-Tooth disease (internal data). ClinVar contains an entry for this variant (Variation ID: 809819). Invitae Evidence Modeling of protein sequence and biophysical properties (such as structural, functional, and spatial information, amino acid conservation, physicochemical variation, residue mobility, and thermodynamic stability) indicates that this missense variant is expected to disrupt SH3TC2 protein function with a positive predictive value of 95%. In summary, the available evidence is currently insufficient to determine the role of this variant in disease. Therefore, it has been classified as a Variant of Uncertain Significance.

3billion
Classification: Uncertain significance for Charcot-Marie-Tooth disease type 4C. Last evaluated: 2023-02-23. Review status: criteria provided, single submitter. Criteria: ACMG Guidelines, 2015. Collection method: clinical testing. Allele origin: unknown. Affected: yes.
Comment: The variant is observed at an extremely low frequency in the gnomAD v2.1.1 dataset (total allele frequency: 0.001%). Protein truncation variants are a common disease-causing mechanism. In silico tool predictions suggest damaging effect of the variant on gene or gene product (REVEL: 0.75; 3Cnet: 0.90). This variant is classified as VUS according to the recommendation of ACMG/AMP guideline.

Mayo Clinic Laboratories, Mayo Clinic
Classification: Uncertain significance. Last evaluated: 2020-09-28. Review status: criteria provided, single submitter. Criteria: ACMG Guidelines, 2015. Collection method: clinical testing. Allele origin: germline. Observed: 1 variant allele.

CeGaT Center for Human Genetics Tuebingen
Classification: Uncertain significance. Last evaluated: 2016-08-01. Review status: criteria provided, single submitter. Criteria: CeGaT Center For Human Genetics Tuebingen Variant Classification Criteria Version 2. Collection method: clinical testing. Allele origin: germline. Affected: yes. Observed: 1 variant allele.

NM_024577.4(SH3TC2):c.3526T>G (p.Tyr1176Asp)

Gene: SH3TC2 (SH3 domain and tetratricopeptide repeats 2; minus strand). Cytogenetic location: 5q32.
Variant type: single nucleotide variant.
Coding change: c.3526T>G on transcript NM_024577.4 (MANE Select); coding-DNA position 3526, T replaced by G.
Protein change: p.Tyr1176Asp; replaces tyrosine 1176 with aspartic acid.
Molecular consequence: missense variant.
Genome position (GRCh38, 1-based): chr5:149,007,030, A>C on the plus strand (T>G on the coding strand, the complement: SH3TC2 is on the minus strand). VCF-style: chr5-149007030-A-C. GRCh37 (hg19) VCF-style: chr5-148386593-A-C.
Other names: short protein forms Y1176D.
Identifiers: ClinVar variation 809819 (VCV000809819.52), dbSNP rs777028943, ClinGen allele CA3498689.